The following is an entry in ClinVar:

ClinVar aggregate classification (germline): Conflicting classifications of pathogenicity. Review status: criteria provided, conflicting classifications (1 of 4 stars). 8 submissions from 8 submitters: Uncertain significance (1); Benign (1); Likely benign (4). 2 of the submissions do not count toward it. Last evaluated 2026-08-01.

Conditions:
Focal segmental glomerulosclerosis 9 (FSGS9). Identifiers: Orphanet 656, MedGen C4015555, MONDO:0014539, OMIM 616220.
Inborn genetic diseases. Identifiers: MedGen C0950123, MeSH D030342.

Allele frequency attached by ClinVar (database versions not stated): gnomAD 0.00045; gnomAD exomes 0.00065 and 0.00138; TOPMed 0.00092; ESP Exome Variant Server 0.00115; ExAC 0.00135.
gnomAD v4.1: 1,163 of 1,606,200 alleles (0.072%); highest among the groups gnomAD compares: Admixed American, 0.046%; 11 homozygotes.

Submissions (8):

CeGaT Center for Human Genetics Tuebingen
Classification: Likely benign. Last evaluated: 2026-08-01. Review status: criteria provided, single submitter. Criteria: CeGaT Center For Human Genetics Tuebingen Variant Classification Criteria Version 2. Collection method: clinical testing. Allele origin: germline. Affected: yes. Observed: 1 variant allele.
Comment: CRB2: BS2

Women's Health and Genetics/Laboratory Corporation of America, LabCorp
Classification: Likely benign. Last evaluated: 2026-02-02. Review status: criteria provided, single submitter. Criteria: LabCorp Variant Classification Summary - May 2015. Collection method: clinical testing. Allele origin: germline.
Comment: Variant summary: CRB2 c.3746G>A (p.Arg1249Gln) results in a conservative amino acid change in the encoded protein sequence. Algorithms developed to predict the effect of missense changes on protein structure and function are either unavailable or do not agree on the potential impact of this missense change. The variant allele was found at a frequency of 0.0014 in 231990 control chromosomes in the gnomAD database, including 4 homozygotes. The observed variant frequency exceeds the estimated maximal expected allele frequency for disease-causing variants in CRB2. To our knowledge, no experimental evidence demonstrating its impact on protein function has been reported. ClinVar contains an entry for this variant (Variation ID: 180703). Based on the evidence outlined above, the variant was classified as likely benign.

Labcorp Genetics (formerly Invitae), Labcorp
Classification: Benign. Last evaluated: 2025-10-14. Review status: criteria provided, single submitter. Criteria: Invitae Variant Classification Sherloc (09022015). Collection method: clinical testing. Allele origin: germline.

Blueprint Genetics
Classification: Likely benign. Last evaluated: 2024-11-22. Review status: criteria provided, single submitter. Criteria: ACMG Guidelines, 2015. Collection method: clinical testing. Allele origin: germline.

Ambry Genetics
Classification: Uncertain significance for Inborn genetic diseases. Last evaluated: 2020-12-07. Review status: criteria provided, single submitter. Criteria: Ambry Variant Classification Scheme 2023. Collection method: clinical testing. Allele origin: germline.
Comment: The c.3746G>A (p.R1249Q) alteration is located in exon 13 (coding exon 13) of the CRB2 gene. This alteration results from a G to A substitution at nucleotide position 3746, causing the arginine (R) at amino acid position 1249 to be replaced by a glutamine (Q). The in silico prediction for the p.R1249Q alteration is inconclusive. Based on insufficient or conflicting evidence, the clinical significance of this alteration remains unclear.

GeneDx
Classification: Likely benign. Last evaluated: 2020-03-09. Review status: criteria provided, single submitter. Criteria: GeneDx Variant Classification Process June 2021. Collection method: clinical testing. Allele origin: germline. Affected: yes.
Comment: See Variant Classification Assertion Criteria.

Reproductive Health Research and Development, BGI Genomics
Classification: Uncertain significance for Focal segmental glomerulosclerosis 9. Last evaluated: 2020-01-06. Review status: no assertion criteria provided. Collection method: curation. Allele origin: germline. Not counted in ClinVar's aggregate classification.
Comment: NM_173689.5:c.3746G>A in the CRB2 gene has an allele frequency of 0.025 in Ashkenazi Jewish subpopulation in the gnomAD database. 4 homozygous occurrences are observed in the gnomAD database. We interpret it as variant of uncertain significance (VUS). ACMG/AMP criteria applied: BS1.

OMIM
Classification: Pathogenic for FOCAL SEGMENTAL GLOMERULOSCLEROSIS 9. Last evaluated: 2015-01-08. Review status: no assertion criteria provided. Collection method: literature only. Allele origin: germline. Not counted in ClinVar's aggregate classification.

Literature cited by the submitters: PubMed 25557779 (cited by Ambry Genetics and OMIM).

NM_173689.7(CRB2):c.3746G>A (p.Arg1249Gln)

Gene: CRB2 (crumbs cell polarity complex component 2; plus strand). Cytogenetic location: 9q33.3.
Variant type: single nucleotide variant.
Coding change: c.3746G>A on transcript NM_173689.7 (MANE Select); coding-DNA position 3746, G replaced by A.
Protein change: p.Arg1249Gln; replaces arginine 1249 with glutamine.
Molecular consequence: missense variant. On other transcripts: non-coding transcript variant (1).
Genome position (GRCh38, 1-based): chr9:123,376,950, G>A. VCF-style: chr9-123376950-G-A. GRCh37 (hg19) VCF-style: chr9-126139229-G-A.
Other names: short protein forms R1249Q.
Identifiers: ClinVar variation 180703 (VCV000180703.18), dbSNP rs147412276, ClinGen allele CA185951.
Genomic context (GRCh38, chr9:123,376,950, plus strand): 5'-CAGCCTGTGCCTGCCTCCTCCTCCTCCTCCTGGGCCTCCTTTCAGGGATCCTGGCAGCCC[G>A]AAAGCGCCGCCAGTCTGAGGGCACCTACAGCCCAAGCCAGCAGGAGGTGGCTGGGGCCCG-3'
Protein context (NP_775960.4, residues 1239-1259): LGLLSGILAA[Arg1249Gln]KRRQSEGTYS